The following is an entry in ClinVar:

ClinVar aggregate classification (germline): Pathogenic/Likely pathogenic. Review status: criteria provided, multiple submitters, no conflicts (2 of 4 stars). 2 submissions from 2 submitters: Pathogenic (1); Likely pathogenic (1). Last evaluated 2026-07-17.

Conditions:
ADCY10-related disorder. Also called: ADCY10-related condition.

Allele frequency attached by ClinVar (database versions not stated): TOPMed 0.00003; gnomAD 0.00004; gnomAD exomes 0.00006; ESP Exome Variant Server 0.00015.
gnomAD v4.1: 91 of 1,614,050 alleles (0.0056%); highest among the groups gnomAD compares: Non-Finnish European, 0.006%; no homozygotes.

Submissions (2):

PreventionGenetics, part of Exact Sciences
Classification: Likely pathogenic for ADCY10-related condition. Last evaluated: 2026-07-17. Review status: criteria provided, single submitter. Criteria: ACMG Guidelines, 2015. Collection method: clinical testing. Allele origin: germline.
Comment: The ADCY10 c.4000C>T variant is predicted to result in premature protein termination (p.Arg1334*). To our knowledge, this variant has not been reported in ADCY10 associated disease in the literature. This variant is reported in 0.019% of alleles in individuals of Ashkenazi Jewish descent in gnomAD. Nonsense variants in ADCY10 are expected to be pathogenic. This variant is interpreted as likely pathogenic.

Labcorp Genetics (formerly Invitae), Labcorp
Classification: Pathogenic. Last evaluated: 2019-07-13. Review status: criteria provided, single submitter. Criteria: Invitae Variant Classification Sherloc (09022015). Collection method: clinical testing. Allele origin: germline.
Comment: For these reasons, this variant has been classified as Pathogenic. Loss-of-function variants in ADCY10 are known to be pathogenic (PMID: 31119281). This variant has not been reported in the literature in individuals with ADCY10-related conditions. This variant is present in population databases (rs146725782, ExAC 0.02%). This sequence change creates a premature translational stop signal (p.Arg1334*) in the ADCY10 gene. It is expected to result in an absent or disrupted protein product.

Literature cited by the submitters: PubMed 31119281 (cited by Labcorp Genetics (formerly Invitae), Labcorp).

NM_018417.6(ADCY10):c.4000C>T (p.Arg1334Ter)

Gene: ADCY10 (adenylate cyclase 10; minus strand). Cytogenetic location: 1q24.2.
Variant type: single nucleotide variant.
Coding change: c.4000C>T on transcript NM_018417.6 (MANE Select); coding-DNA position 4000, C replaced by T.
Protein change: p.Arg1334Ter; replaces arginine 1334 with a stop codon.
Molecular consequence: nonsense.
Genome position (GRCh38, 1-based): chr1:167,824,528, G>A on the plus strand (C>T on the coding strand, the complement: ADCY10 is on the minus strand). VCF-style: chr1-167824528-G-A. GRCh37 (hg19) VCF-style: chr1-167793766-G-A.
Other names: c.3541C>T, p.Arg1181Ter (NM_001167749.3); c.3724C>T, p.Arg1242Ter (NM_001297772.2); short protein forms R1181*, R1242*, R1334*.
Identifiers: ClinVar variation 948647 (VCV000948647.6), dbSNP rs146725782, ClinGen allele CA1227182.